The following is an entry in ClinVar:

ClinVar aggregate classification (germline): Pathogenic (1 of 4 stars; one submission).

Conditions:
DICER1-related tumor predisposition. Also called: DICER1 syndrome; DICER1-related pleuropulmonary blastoma cancer predisposition syndrome. Identifiers: Orphanet 284343, MedGen C3839822, MONDO:0100216.

Submission:

Labcorp Genetics (formerly Invitae), Labcorp
Classification: Pathogenic for DICER1-related tumor predisposition. Last evaluated: 2022-06-16. Review status: criteria provided, single submitter. Criteria: Invitae Variant Classification Sherloc (09022015). Collection method: clinical testing. Allele origin: germline.
Comment: For these reasons, this variant has been classified as Pathogenic. This variant has not been reported in the literature in individuals affected with DICER1-related conditions. This variant is not present in population databases (gnomAD no frequency). This sequence change creates a premature translational stop signal (p.Tyr473Asnfs*27) in the DICER1 gene. It is expected to result in an absent or disrupted protein product. Loss-of-function variants in DICER1 are known to be pathogenic (PMID: 19556464, 21266384).

Literature cited by the submitters: PubMed 19556464; PubMed 21266384.

NM_177438.3(DICER1):c.1417_1436del (p.Tyr473fs)

Gene: DICER1 (dicer 1, ribonuclease III; minus strand). Cytogenetic location: 14q32.13.
Variant type: Deletion.
Coding change: c.1417_1436del on transcript NM_177438.3 (MANE Select); coding-DNA positions 1417 to 1436, 20 bases deleted (TATATCAGTAGCAATTTCAT).
Protein change: p.Tyr473fs; shifts the reading frame from tyrosine 473.
Molecular consequence: frameshift variant. On other transcripts: 5 prime UTR variant (1), non-coding transcript variant (6).
Genome position (GRCh38, 1-based): chr14:95,117,695-95,117,714, ATGAAATTGCTACTGATATA deleted on the plus strand (TATATCAGTAGCAATTTCAT on the coding strand, the reverse complement: DICER1 is on the minus strand); deleting any 20 consecutive bases within chr14:95,117,695-95,117,715 gives the same sequence; the c. name uses the placement nearest the transcript's 3' end. VCF-style (leftmost placement, unchanged base first): chr14-95117694-TATGAAATTGCTACTGATATA-T. GRCh37 (hg19) VCF-style: chr14-95584031-TATGAAATTGCTACTGATATA-T.
Other names: c.1417_1436del, p.Tyr473fs (NM_001195573.1, NM_001271282.3, NM_001291628.2 and 12 more transcripts); c.1416_1435del20, p.Tyr473Asnfs (NM_001395681.1); c.1135_1154del, p.Tyr379fs (NM_001395686.1); c.1012_1031del, p.Tyr338fs (NM_001395687.1, NM_001395688.1, NM_001395689.1 and 3 more transcripts); c.850_869del, p.Tyr284fs (NM_001395691.1); c.-152_-133del (NM_001395697.1); short protein forms Y379fs, Y284fs, Y338fs, Y473fs.
Identifiers: ClinVar variation 2007482 (VCV002007482.4), dbSNP rs2543062387, ClinGen allele CA2580089103.